The following is an entry in ClinVar:

NM_015910.7(WDPCP):c.76-15_76-5del

Gene: WDPCP (WD repeat containing planar cell polarity effector; minus strand). Cytogenetic location: 2p15.
Variant type: Deletion.
Coding change: c.76-15_76-5del on transcript NM_015910.7 (MANE Select); 15 bases into the intron before coding-DNA position 76 through 5 bases into the intron before coding-DNA position 76, 11 bases deleted (TTATTTTTTAA).
Molecular consequence: intron variant.
Genome position (GRCh38, 1-based): chr2:63,492,945-63,492,955, TTAAAAAATAA deleted on the plus strand (TTATTTTTTAA on the coding strand, the reverse complement: WDPCP is on the minus strand); deleting any 11 consecutive bases within chr2:63,492,945-63,492,962 gives the same sequence; the c. name uses the placement nearest the transcript's 3' end. VCF-style (leftmost placement, unchanged base first): chr2-63492944-TTTAAAAAATAA-T. GRCh37 (hg19) VCF-style: chr2-63720078-TTTAAAAAATAA-T.
Other names: c.76-15_76-5del11 (NM_015910.5); c.4-15_4-5del (NM_001354044.2); c.76-15_76-5del (NM_001354045.2).
Identifiers: ClinVar variation 1164395 (VCV001164395.12), dbSNP rs780314107, ClinGen allele CA1682619.

ClinVar aggregate classification (germline): Benign/Likely benign. Review status: criteria provided, multiple submitters, no conflicts (2 of 4 stars). 3 submissions from 3 submitters: Benign (1); Likely benign (1). 1 of the submissions does not count toward it. Last evaluated 2025-11-06.

Conditions:
WDPCP-related disorder. Also called: WDPCP-related condition.
Bardet-Biedl syndrome (BBS). Identifiers: Orphanet 110, MedGen C0752166, MONDO:0015229.

Submissions (3):

Labcorp Genetics (formerly Invitae), Labcorp
Classification: Benign for Bardet-Biedl syndrome. Last evaluated: 2025-11-06. Review status: criteria provided, single submitter. Criteria: Invitae Variant Classification Sherloc (09022015). Collection method: clinical testing. Allele origin: germline.

Blueprint Genetics
Classification: Likely benign. Last evaluated: 2024-10-25. Review status: criteria provided, single submitter. Criteria: ACMG Guidelines, 2015. Collection method: clinical testing. Allele origin: germline.

PreventionGenetics, part of Exact Sciences
Classification: Likely benign for WDPCP-related condition. Last evaluated: 2022-05-04. Review status: no assertion criteria provided. Collection method: clinical testing. Allele origin: germline. Not counted in ClinVar's aggregate classification.
Comment: This variant is classified as likely benign based on ACMG/AMP sequence variant interpretation guidelines (Richards et al. 2015 PMID: 25741868, with internal and published modifications).